The following is an entry in ClinVar:

NM_024757.5(EHMT1):c.716A>G (p.Lys239Arg)

Gene: EHMT1 (euchromatic histone lysine methyltransferase 1; plus strand). Cytogenetic location: 9q34.3.
Variant type: single nucleotide variant.
Coding change: c.716A>G on transcript NM_024757.5 (MANE Select); coding-DNA position 716, A replaced by G.
Protein change: p.Lys239Arg; replaces lysine 239 with arginine.
Molecular consequence: missense variant.
Genome position (GRCh38, 1-based): chr9:137,728,422, A>G. VCF-style: chr9-137728422-A-G. GRCh37 (hg19) VCF-style: chr9-140622874-A-G.
Other names: c.716A>G, p.Lys239Arg (NM_001145527.2, NM_001354263.2, NM_001354611.2); c.623A>G, p.Lys208Arg (NM_001354259.2, NM_001354612.2); short protein forms K208R, K239R.
Identifiers: ClinVar variation 1051667 (VCV001051667.10), dbSNP rs778733047, ClinGen allele CA5374396.

ClinVar aggregate classification (germline): Conflicting classifications of pathogenicity. Review status: criteria provided, conflicting classifications (1 of 4 stars). 2 submissions from 2 submitters: Uncertain significance (1); Likely benign (1). Last evaluated 2025-06-14.

Conditions:
Inborn genetic diseases. Identifiers: MedGen C0950123, MeSH D030342.
Kleefstra syndrome 1 (KLEFS1). Identifiers: Orphanet 261494, MedGen C0795833, MONDO:0027407, OMIM 610253.

Allele frequency attached by ClinVar (database versions not stated): gnomAD exomes 0.00001 and 0.00002; TOPMed 0.00001; ExAC 0.00002; gnomAD 0.00002.
gnomAD v4.1: 22 of 1,614,082 alleles (0.0014%); highest among the groups gnomAD compares: Non-Finnish European, 0.0019%; no homozygotes.

Submissions (2):

Labcorp Genetics (formerly Invitae), Labcorp
Classification: Uncertain significance for Kleefstra syndrome 1. Last evaluated: 2025-06-14. Review status: criteria provided, single submitter. Criteria: Invitae Variant Classification Sherloc (09022015). Collection method: clinical testing. Allele origin: germline.
Comment: This sequence change replaces lysine, which is basic and polar, with arginine, which is basic and polar, at codon 239 of the EHMT1 protein (p.Lys239Arg). This variant is present in population databases (rs778733047, gnomAD 0.004%). This variant has not been reported in the literature in individuals affected with EHMT1-related conditions. ClinVar contains an entry for this variant (Variation ID: 1051667). Invitae Evidence Modeling of protein sequence and biophysical properties (such as structural, functional, and spatial information, amino acid conservation, physicochemical variation, residue mobility, and thermodynamic stability) indicates that this missense variant is not expected to disrupt EHMT1 protein function with a negative predictive value of 80%. In summary, the available evidence is currently insufficient to determine the role of this variant in disease. Therefore, it has been classified as a Variant of Uncertain Significance.

Ambry Genetics
Classification: Likely benign for Inborn genetic diseases. Last evaluated: 2017-06-12. Review status: criteria provided, single submitter. Criteria: Ambry Variant Classification Scheme 2023. Collection method: clinical testing. Allele origin: germline.